The following is an entry in ClinVar:

NM_145207.3(AFG2A):c.1507C>T (p.His503Tyr)

Gene: AFG2A (AAA ATPase AFG2A; plus strand). Cytogenetic location: 4q28.1.
Variant type: single nucleotide variant.
Coding change: c.1507C>T on transcript NM_145207.3 (MANE Select); coding-DNA position 1507, C replaced by T.
Protein change: p.His503Tyr; replaces histidine 503 with tyrosine.
Molecular consequence: missense variant.
Genome position (GRCh38, 1-based): chr4:122,947,281, C>T. VCF-style: chr4-122947281-C-T. GRCh37 (hg19) VCF-style: chr4-123868436-C-T.
Other names: c.1504C>T, p.His502Tyr (NM_001317799.2, NM_001345856.2); short protein forms H503Y, H502Y.
Identifiers: ClinVar variation 2067853 (VCV002067853.3), dbSNP rs1316013984, ClinGen allele CA358108128.

ClinVar aggregate classification (germline): Uncertain significance (1 of 4 stars; one submission).

Conditions:
Microcephaly-intellectual disability-sensorineural hearing loss-epilepsy-abnormal muscle tone syndrome (NEDHSB). Also called: NEURODEVELOPMENTAL DISORDER WITH HEARING LOSS, SEIZURES, AND BRAIN ABNORMALITIES. Identifiers: Orphanet 457351, MedGen C4225276, MONDO:0014698, OMIM 616577.

Allele frequency attached by ClinVar (database versions not stated): gnomAD exomes 0.00001.
gnomAD v4.1: 10 of 1,612,122 alleles (0.00062%); highest among the groups gnomAD compares: South Asian, 0.0011%; no homozygotes.

Submission:

Labcorp Genetics (formerly Invitae), Labcorp
Classification: Uncertain significance for Microcephaly-intellectual disability-sensorineural hearing loss-epilepsy-abnormal muscle tone syndrome. Last evaluated: 2022-05-10. Review status: criteria provided, single submitter. Criteria: Invitae Variant Classification Sherloc (09022015). Collection method: clinical testing. Allele origin: germline.
Comment: In summary, the available evidence is currently insufficient to determine the role of this variant in disease. Therefore, it has been classified as a Variant of Uncertain Significance. Algorithms developed to predict the effect of missense changes on protein structure and function (SIFT, PolyPhen-2, Align-GVGD) all suggest that this variant is likely to be disruptive. This variant has not been reported in the literature in individuals affected with SPATA5-related conditions. This variant is present in population databases (no rsID available, gnomAD 0.003%). This sequence change replaces histidine, which is basic and polar, with tyrosine, which is neutral and polar, at codon 503 of the SPATA5 protein (p.His503Tyr).